The following is an entry in ClinVar:

ClinVar aggregate classification (germline): Uncertain significance. Review status: criteria provided, multiple submitters, no conflicts (2 of 4 stars). 4 submissions from 4 submitters: Uncertain significance (4). Last evaluated 2025-12-23.

Conditions:
Cardiovascular phenotype. Identifiers: MedGen CN230736.
Catecholaminergic polymorphic ventricular tachycardia 2. Also called: CASQ2-Related Catecholaminergic Polymorphic Ventricular Tachycardia; VENTRICULAR TACHYCARDIA, STRESS-INDUCED POLYMORPHIC 2. Identifiers: Orphanet 3286, MedGen C2677794, MONDO:0012762, OMIM 611938.
Catecholaminergic polymorphic ventricular tachycardia 1. Also called: VENTRICULAR TACHYCARDIA, CATECHOLAMINERGIC POLYMORPHIC, 1, WITH OR WITHOUT ATRIAL DYSFUNCTION AND/OR DILATED CARDIOMYOPATHY; RYR2-Related Catecholaminergic Polymorphic Ventricular Tachycardia; VENTRICULAR TACHYCARDIA, STRESS-INDUCED POLYMORPHIC 1. Identifiers: Orphanet 3286, MedGen C1631597, MONDO:0011484, OMIM 604772.

Allele frequency attached by ClinVar (database versions not stated): gnomAD 0.00001 and 0.00002; gnomAD exomes 0.00001 and 0.00002; ExAC 0.00002; TOPMed 0.00003; ESP Exome Variant Server 0.00008; 1000 Genomes Project 30x 0.00016; 1000 Genomes Project 0.00020.
gnomAD v4.1: 10 of 1,614,038 alleles (0.00062%); highest among the groups gnomAD compares: Admixed American, 0.0067%; no homozygotes.

Submissions (4):

Labcorp Genetics (formerly Invitae), Labcorp
Classification: Uncertain significance for Catecholaminergic polymorphic ventricular tachycardia 1. Last evaluated: 2025-12-23. Review status: criteria provided, single submitter. Criteria: Invitae Variant Classification Sherloc (09022015). Collection method: clinical testing. Allele origin: germline.
Comment: This sequence change replaces isoleucine, which is neutral and non-polar, with threonine, which is neutral and polar, at codon 161 of the CASQ2 protein (p.Ile161Thr). This variant is present in population databases (rs151201435, gnomAD 0.02%). This variant has not been reported in the literature in individuals affected with CASQ2-related conditions. ClinVar contains an entry for this variant (Variation ID: 1057873). Invitae Evidence Modeling of protein sequence and biophysical properties (such as structural, functional, and spatial information, amino acid conservation, physicochemical variation, residue mobility, and thermodynamic stability) has been performed for this missense variant. However, the output from this modeling did not meet the statistical confidence thresholds required to predict the impact of this variant on CASQ2 protein function. In summary, the available evidence is currently insufficient to determine the role of this variant in disease. Therefore, it has been classified as a Variant of Uncertain Significance.

Ambry Genetics
Classification: Uncertain significance for Cardiovascular phenotype. Last evaluated: 2024-10-08. Review status: criteria provided, single submitter. Criteria: Ambry Variant Classification Scheme 2023. Collection method: clinical testing. Allele origin: germline.
Comment: The p.I161T variant (also known as c.482T>C), located in coding exon 4 of the CASQ2 gene, results from a T to C substitution at nucleotide position 482. The isoleucine at codon 161 is replaced by threonine, an amino acid with similar properties. This amino acid position is not well conserved in available vertebrate species. In addition, the in silico prediction for this alteration is inconclusive. Since supporting evidence is limited at this time, the clinical significance of this alteration remains unclear.

Genome-Nilou Lab
Classification: Uncertain significance for Catecholaminergic polymorphic ventricular tachycardia 2. Last evaluated: 2023-04-11. Review status: criteria provided, single submitter. Criteria: ACMG Guidelines, 2015. Collection method: clinical testing. Allele origin: germline. Affected: no.

Fulgent Genetics
Classification: Uncertain significance for Catecholaminergic polymorphic ventricular tachycardia 1; Catecholaminergic polymorphic ventricular tachycardia 2. Last evaluated: 2021-08-11. Review status: criteria provided, single submitter. Criteria: ACMG Guidelines, 2015. Collection method: clinical testing. Allele origin: unknown.

NM_001232.4(CASQ2):c.482T>C (p.Ile161Thr)

Gene: CASQ2 (calsequestrin 2; minus strand). Cytogenetic location: 1p13.1.
Variant type: single nucleotide variant.
Coding change: c.482T>C on transcript NM_001232.4 (MANE Select); coding-DNA position 482, T replaced by C.
Protein change: p.Ile161Thr; replaces isoleucine 161 with threonine.
Molecular consequence: missense variant.
Genome position (GRCh38, 1-based): chr1:115,738,274, A>G on the plus strand (T>C on the coding strand, the complement: CASQ2 is on the minus strand). VCF-style: chr1-115738274-A-G. GRCh37 (hg19) VCF-style: chr1-116280895-A-G.
Other names: short protein forms I161T.
Identifiers: ClinVar variation 1057873 (VCV001057873.12), dbSNP rs151201435, ClinGen allele CA1023897.